The following is an entry in ClinVar:

NM_015559.3(SETBP1):c.2061C>A (p.Ser687Arg)

Gene: SETBP1 (SET binding protein 1; plus strand). Cytogenetic location: 18q12.3.
Variant type: single nucleotide variant.
Coding change: c.2061C>A on transcript NM_015559.3 (MANE Select); coding-DNA position 2061, C replaced by A.
Protein change: p.Ser687Arg; replaces serine 687 with arginine.
Molecular consequence: missense variant.
Genome position (GRCh38, 1-based): chr18:44,951,401, C>A. VCF-style: chr18-44951401-C-A. GRCh37 (hg19) VCF-style: chr18-42531366-C-A.
Other names: c.2061C>A, p.Ser687Arg (NM_001379141.1, NM_001379142.1, NM_001410862.1); short protein forms S687R.
Identifiers: ClinVar variation 3669171 (VCV003669171.2).

ClinVar aggregate classification (germline): Uncertain significance (1 of 4 stars; one submission).

Submission:

Labcorp Genetics (formerly Invitae), Labcorp
Classification: Uncertain significance. Last evaluated: 2025-01-27. Review status: criteria provided, single submitter. Criteria: Invitae Variant Classification Sherloc (09022015). Collection method: clinical testing. Allele origin: germline.
Comment: This sequence change replaces serine, which is neutral and polar, with arginine, which is basic and polar, at codon 687 of the SETBP1 protein (p.Ser687Arg). This variant is not present in population databases (gnomAD no frequency). This variant has not been reported in the literature in individuals affected with SETBP1-related conditions. Invitae Evidence Modeling of protein sequence and biophysical properties (such as structural, functional, and spatial information, amino acid conservation, physicochemical variation, residue mobility, and thermodynamic stability) indicates that this missense variant is not expected to disrupt SETBP1 protein function with a negative predictive value of 80%. In summary, the available evidence is currently insufficient to determine the role of this variant in disease. Therefore, it has been classified as a Variant of Uncertain Significance.